The following is an entry in ClinVar:

NM_001136234.3(SUPT20HL1):c.78G>A (p.Arg26=)

Gene: SUPT20HL1 (SUPT20H like 1; plus strand). Cytogenetic location: Xp22.11.
Variant type: single nucleotide variant.
Coding change: c.78G>A on transcript NM_001136234.3 (MANE Select); coding-DNA position 78, G replaced by A.
Protein change: p.Arg26=; no amino-acid change (arginine 26 retained).
Molecular consequence: synonymous variant.
Genome position (GRCh38, 1-based): chrX:24,362,838, G>A. VCF-style: chrX-24362838-G-A. GRCh37 (hg19) VCF-style: chrX-24380955-G-A.
Identifiers: ClinVar variation 2660187 (VCV002660187.24), dbSNP rs749786310, ClinGen allele CA10371849.
Genomic context (GRCh38, chrX:24,362,838, plus strand): 5'-ACAGGCTCTGGATCGCGCAGAGAATATCATTGAAATTGCCCAACAGAGACCTCCTAGAAG[G>A]AGATACTCACCTAGGGCGGGAAAAACTCTGCAGGAAAAACTTTATGACATTTATGTTGAA-3'
Protein context (NP_001129706.3, residues 16-36): IEIAQQRPPR[Arg26=]RYSPRAGKTL

ClinVar aggregate classification (germline): Likely benign (1 of 4 stars; one submission).

Allele frequency attached by ClinVar (database versions not stated): ExAC 0.00001.

Submission:

CeGaT Center for Human Genetics Tuebingen
Classification: Likely benign. Last evaluated: 2022-05-01. Review status: criteria provided, single submitter. Criteria: CeGaT Center For Human Genetics Tuebingen Variant Classification Criteria Version 2. Collection method: clinical testing. Allele origin: germline. Affected: yes. Observed: 1 variant allele.
Comment: SUPT20HL1: BP4, BP7